The following is an entry in ClinVar:

ClinVar aggregate classification (germline): Pathogenic (1 of 4 stars; one submission).

Conditions:
Multiple acyl-CoA dehydrogenase deficiency (MADD). Also called: ETHYLMALONIC-ADIPICACIDURIA; GA II; Glutaric aciduria, type 2; Glutaric acidemia type II; GA 2; Glutaric Acidemia type 2. Identifiers: Orphanet 26791, MedGen C0268596, MONDO:0009282, OMIM 231680.

Submission:

Labcorp Genetics (formerly Invitae), Labcorp
Classification: Pathogenic for Multiple acyl-CoA dehydrogenase deficiency. Last evaluated: 2024-01-11. Review status: criteria provided, single submitter. Criteria: Invitae Variant Classification Sherloc (09022015). Collection method: clinical testing. Allele origin: germline.
Comment: This sequence change creates a premature translational stop signal (p.Tyr553*) in the ETFDH gene. While this is not anticipated to result in nonsense mediated decay, it is expected to disrupt the last 65 amino acid(s) of the ETFDH protein. This variant is not present in population databases (gnomAD no frequency). This variant has not been reported in the literature in individuals affected with ETFDH-related conditions. This variant disrupts a region of the ETFDH protein in which other variant(s) (p.Gly611Glu) have been determined to be pathogenic (PMID: 12359134; Invitae). This suggests that this is a clinically significant region of the protein, and that variants that disrupt it are likely to be disease-causing. For these reasons, this variant has been classified as Pathogenic.

Literature cited by the submitters: PubMed 12359134.

NM_004453.4(ETFDH):c.1659T>G (p.Tyr553Ter)

Gene: ETFDH (electron transfer flavoprotein dehydrogenase; plus strand). Cytogenetic location: 4q32.1.
Variant type: single nucleotide variant.
Coding change: c.1659T>G on transcript NM_004453.4 (MANE Select); coding-DNA position 1659, T replaced by G.
Protein change: p.Tyr553Ter; replaces tyrosine 553 with a stop codon.
Molecular consequence: nonsense.
Genome position (GRCh38, 1-based): chr4:158,706,819, T>G. VCF-style: chr4-158706819-T-G. GRCh37 (hg19) VCF-style: chr4-159627971-T-G.
Other names: c.1518T>G, p.Tyr506Ter (NM_001281737.2); c.1476T>G, p.Tyr492Ter (NM_001281738.1); short protein forms Y506*, Y492*, Y553*.
Identifiers: ClinVar variation 2767351 (VCV002767351.3), dbSNP rs1333454413, ClinGen allele CA358565140.